The following is an entry in ClinVar:

NM_005236.3(ERCC4):c.399G>C (p.Val133=)

Gene: ERCC4 (ERCC excision repair 4, endonuclease catalytic subunit; plus strand). Cytogenetic location: 16p13.12.
Variant type: single nucleotide variant.
Coding change: c.399G>C on transcript NM_005236.3 (MANE Select); coding-DNA position 399, G replaced by C.
Protein change: p.Val133=; no amino-acid change (valine 133 retained).
Molecular consequence: synonymous variant.
Genome position (GRCh38, 1-based): chr16:13,926,571, G>C. VCF-style: chr16-13926571-G-C. GRCh37 (hg19) VCF-style: chr16-14020428-G-C.
Identifiers: ClinVar variation 3904937 (VCV003904937.10).

ClinVar aggregate classification (germline): Likely benign (1 of 4 stars; one submission).

Submission:

CeGaT Center for Human Genetics Tuebingen
Classification: Likely benign. Last evaluated: 2025-05-01. Review status: criteria provided, single submitter. Criteria: CeGaT Center For Human Genetics Tuebingen Variant Classification Criteria Version 2. Collection method: clinical testing. Allele origin: germline. Affected: yes. Observed: 1 variant allele.
Comment: ERCC4: PM2:Supporting, BP4, BP7